The following is an entry in ClinVar:

ClinVar aggregate classification (germline): Benign (1 of 4 stars; one submission).

gnomAD v4.1: 1,043 of 1,613,704 alleles (0.065%); highest among the groups gnomAD compares: African/African-American, 1.2%; 6 homozygotes.

Submission:

Mayo Clinic Laboratories, Mayo Clinic
Classification: Benign. Last evaluated: 2024-07-31. Review status: criteria provided, single submitter. Criteria: ACMG Guidelines, 2015. Collection method: clinical testing. Allele origin: germline. Observed: 5 variant alleles.
Comment: BS1, BS2, BP4, BP7

NM_005070.4(SLC4A3):c.2658G>A (p.Pro886=)

Gene: SLC4A3 (solute carrier family 4 member 3; plus strand). Cytogenetic location: 2q35.
Variant type: single nucleotide variant.
Coding change: c.2658G>A on transcript NM_005070.4 (MANE Select); coding-DNA position 2658, G replaced by A.
Protein change: p.Pro886=; no amino-acid change (proline 886 retained).
Molecular consequence: synonymous variant. On other transcripts: non-coding transcript variant (1).
Genome position (GRCh38, 1-based): chr2:219,637,703, G>A. VCF-style: chr2-219637703-G-A. GRCh37 (hg19) VCF-style: chr2-220502425-G-A.
Other names: p.Pro913=; c.2739G>A, p.Pro913= (NM_001326559.2, NM_201574.3); c.2658G>A, p.Pro886= (NM_001438863.1); c.2064G>A, p.Pro688= (NM_001438864.1).
Identifiers: ClinVar variation 4684655 (VCV004684655.1).